The following is an entry in ClinVar:

NM_130797.4(DPP6):c.2409C>T (p.Leu803=)

Gene: DPP6 (dipeptidyl peptidase like 6; plus strand). Cytogenetic location: 7q36.2.
Variant type: single nucleotide variant.
Coding change: c.2409C>T on transcript NM_130797.4 (MANE Select); coding-DNA position 2409, C replaced by T.
Protein change: p.Leu803=; no amino-acid change (leucine 803 retained).
Molecular consequence: synonymous variant. On other transcripts: non-coding transcript variant (2).
Genome position (GRCh38, 1-based): chr7:154,889,488, C>T. VCF-style: chr7-154889488-C-T. GRCh37 (hg19) VCF-style: chr7-154681198-C-T.
Other names: c.2217C>T, p.Leu739= (NM_001039350.3); c.2088C>T, p.Leu696= (NM_001290252.2); c.2226C>T, p.Leu742= (NM_001364497.2, NM_001364498.2, NM_001364499.2 and 1 more transcripts); c.2223C>T, p.Leu741= (NM_001936.5).
Identifiers: ClinVar variation 4823573 (VCV004823573.4).

ClinVar aggregate classification (germline): Likely benign (1 of 4 stars; one submission).

gnomAD v4.1: 13 of 1,601,106 alleles (0.00081%); highest among the groups gnomAD compares: East Asian, 0.027%; no homozygotes.

Submission:

CeGaT Center for Human Genetics Tuebingen
Classification: Likely benign. Last evaluated: 2026-03-01. Review status: criteria provided, single submitter. Criteria: CeGaT Center For Human Genetics Tuebingen Variant Classification Criteria Version 2. Collection method: clinical testing. Allele origin: germline. Affected: yes. Observed: 1 variant allele.
Comment: DPP6: BP4, BP7